The following is an entry in ClinVar:

NM_000979.4(RPL18):c.437G>A (p.Arg146Gln)

Gene: RPL18 (ribosomal protein L18; minus strand). Cytogenetic location: 19q13.33.
Variant type: single nucleotide variant.
Coding change: c.437G>A on transcript NM_000979.4 (MANE Select); coding-DNA position 437, G replaced by A.
Protein change: p.Arg146Gln; replaces arginine 146 with glutamine.
Molecular consequence: missense variant. On other transcripts: non-coding transcript variant (1).
Genome position (GRCh38, 1-based): chr19:48,615,931, C>T on the plus strand (G>A on the coding strand, the complement: RPL18 is on the minus strand). VCF-style: chr19-48615931-C-T. GRCh37 (hg19) VCF-style: chr19-49119188-C-T.
Other names: c.350G>A, p.Arg117Gln (NM_001270490.2); short protein forms R146Q, R117Q.
Identifiers: ClinVar variation 2895168 (VCV002895168.3), dbSNP rs368131281, ClinGen allele CA9554001.

ClinVar aggregate classification (germline): Uncertain significance (1 of 4 stars; one submission).

Allele frequency attached by ClinVar (database versions not stated): ExAC 0.00001; gnomAD exomes 0.00001; TOPMed 0.00004; gnomAD 0.00005; ESP Exome Variant Server 0.00008.
gnomAD v4.1: 16 of 1,613,746 alleles (0.00099%); highest among the groups gnomAD compares: African/African-American, 0.013%; no homozygotes.

Submission:

Labcorp Genetics (formerly Invitae), Labcorp
Classification: Uncertain significance. Last evaluated: 2023-04-29. Review status: criteria provided, single submitter. Criteria: Invitae Variant Classification Sherloc (09022015). Collection method: clinical testing. Allele origin: germline.
Comment: This sequence change replaces arginine, which is basic and polar, with glutamine, which is neutral and polar, at codon 146 of the RPL18 protein (p.Arg146Gln). In summary, the available evidence is currently insufficient to determine the role of this variant in disease. Therefore, it has been classified as a Variant of Uncertain Significance. An algorithm developed to predict the effect of missense changes on protein structure and function (PolyPhen-2) suggests that this variant is likely to be tolerated. This variant has not been reported in the literature in individuals affected with RPL18-related conditions. This variant is present in population databases (rs368131281, gnomAD 0.02%).